The following is an entry in ClinVar:

ClinVar aggregate classification (germline): Conflicting classifications of pathogenicity. Review status: criteria provided, conflicting classifications (1 of 4 stars). 5 submissions from 5 submitters: Pathogenic (1); Likely pathogenic (3); Uncertain significance (1). Last evaluated 2026-02-20.

Conditions:
Loeys-Dietz syndrome 2 (LDS2). Also called: Marfan Syndrome type 2; Marfan like connective tissue disorder; MFS 2; MARFAN SYNDROME, TYPE II; AORTIC ANEURYSM, FAMILIAL THORACIC 3; TGFBR2-Related Loeys-Dietz Syndrome. Identifiers: Orphanet 284973, Orphanet 558, MedGen C2674574, MONDO:0012427, OMIM 610168.
Familial thoracic aortic aneurysm and aortic dissection (TAAD). Also called: Thoracic aortic aneurysms and dissections. Identifiers: Orphanet 91387, MedGen C4707243, MONDO:0019625.

Allele frequency attached by ClinVar (database versions not stated): gnomAD exomes below 0.00001 and 0.00001; ExAC 0.00001; TOPMed 0.00002; gnomAD 0.00001.
gnomAD v4.1: 7 of 1,614,142 alleles (0.00043%); highest among the groups gnomAD compares: South Asian, 0.0022%; no homozygotes.

Submissions (5):

GeneDx
Classification: Uncertain significance. Last evaluated: 2026-02-20. Review status: criteria provided, single submitter. Criteria: GeneDx Variant Classification Process June 2021. Collection method: clinical testing. Allele origin: germline.
Comment: Not observed at significant frequency in large population cohorts (gnomAD); In silico analysis supports that this missense variant has a deleterious effect on protein structure/function; This variant is associated with the following publications: (PMID: 19996017, 27879313, 18781618)

Labcorp Genetics (formerly Invitae), Labcorp
Classification: Pathogenic for Familial thoracic aortic aneurysm and aortic dissection. Last evaluated: 2025-12-08. Review status: criteria provided, single submitter. Criteria: Invitae Variant Classification Sherloc (09022015). Collection method: clinical testing. Allele origin: germline.
Comment: This sequence change replaces arginine, which is basic and polar, with histidine, which is basic and polar, at codon 254 of the TGFBR2 protein (p.Arg254His). This variant is present in population databases (rs751948498, gnomAD 0.003%). This missense change has been observed in individuals with clinical features of TGFBR2-related conditions and/or thoracic aortic aneurysm and dissection (PMID: 18781618, 27879313; internal data). ClinVar contains an entry for this variant (Variation ID: 919937). Invitae Evidence Modeling of protein sequence and biophysical properties (such as structural, functional, and spatial information, amino acid conservation, physicochemical variation, residue mobility, and thermodynamic stability) has been performed for this missense variant. However, the output from this modeling did not meet the statistical confidence thresholds required to predict the impact of this variant on TGFBR2 protein function. This variant disrupts the p.Arg254 amino acid residue in TGFBR2. Other variant(s) that disrupt this residue have been determined to be pathogenic (internal data). This suggests that this residue is clinically significant, and that variants that disrupt this residue are likely to be disease-causing. For these reasons, this variant has been classified as Pathogenic.

Ambry Genetics
Classification: Likely pathogenic for Familial thoracic aortic aneurysm and aortic dissection. Last evaluated: 2025-01-05. Review status: criteria provided, single submitter. Criteria: Ambry Variant Classification Scheme 2023. Collection method: clinical testing. Allele origin: germline.
Comment: The p.R254H variant (also known as c.761G>A), located in coding exon 4 of the TGFBR2 gene, results from a G to A substitution at nucleotide position 761. The arginine at codon 254 is replaced by histidine, an amino acid with highly similar properties. This variant was reported in individual(s) with features consistent with thoracic aortic aneurysm (Stheneur C et al. Hum. Mutat., 2008 Nov;29:E284-95; Jondeau G et al. Circ Cardiovasc Genet, 2016 Dec;9:548-558; Ambry internal data). Internal structural analysis indicates this alteration lies adjacent to the catalytic center of the protein and is likely to affect the protein function (Zheng J. Acta Crystallogr. D Biol. Crystallogr. 1993 May;49(Pt 3):362-5; Tebben AJ. Acta Crystallogr D Struct Biol. 2016 May;72(Pt 5):658-74). This amino acid position is highly conserved in available vertebrate species. In addition, this alteration is predicted to be deleterious by in silico analysis. Based on the majority of available evidence to date, this variant is likely to be pathogenic.

Dubai Health Genomic Medicine Center, Dubai Health
Classification: Likely pathogenic for Loeys-Dietz syndrome 2. Last evaluated: 2024-10-04. Review status: criteria provided, single submitter. Criteria: ACMG Guidelines, 2015. Collection method: research. Allele origin: germline. Affected: yes.
Comment: PM2,PP3,PP4,PM5

Color Diagnostics, LLC DBA Color Health
Classification: Likely pathogenic for Familial thoracic aortic aneurysm and aortic dissection. Last evaluated: 2023-01-31. Review status: criteria provided, single submitter. Criteria: ACMG Guidelines, 2015. Collection method: clinical testing. Allele origin: germline.
Comment: This missense variant replaces arginine with histidine at codon 254 in the kinase domain of the TGFBR2 protein. Computational prediction suggests that this variant may have deleterious impact on protein structure and function (internally defined REVEL score threshold >= 0.7, PMID: 27666373). To our knowledge, functional studies have not been reported for this variant. This variant has been reported in seven individuals affected with thoracic aortic disease (PMID: 19996017, 27879313), in an individual with incomplete Marfan syndrome with cardiovascular system involvement (PMID: 18781618), and in an individual with clinical features of TGFBR2-related conditions (ClinVar SCV002295747). This variant has been identified in 2/249438 chromosomes in the general population by the Genome Aggregation Database (gnomAD). Based on the available evidence, this variant is classified as Likely Pathogenic.

Literature cited by the submitters: PubMed 18781618 (cited by 3 submitters); PubMed 27879313 (cited by 3 submitters); PubMed 15299527 (cited by Ambry Genetics); PubMed 27139629 (cited by Ambry Genetics); PubMed 19996017 (cited by Color Diagnostics, LLC DBA Color Health).

NM_003242.6(TGFBR2):c.761G>A (p.Arg254His)

Gene: TGFBR2 (transforming growth factor beta receptor 2; plus strand). Cytogenetic location: 3p24.1.
Variant type: single nucleotide variant.
Coding change: c.761G>A on transcript NM_003242.6 (MANE Select); coding-DNA position 761, G replaced by A.
Protein change: p.Arg254His; replaces arginine 254 with histidine.
Molecular consequence: missense variant.
Genome position (GRCh38, 1-based): chr3:30,671,944, G>A. VCF-style: chr3-30671944-G-A. GRCh37 (hg19) VCF-style: chr3-30713436-G-A.
Other names: c.836G>A, p.Arg279His (NM_001024847.3); c.944G>A, p.Arg315His (NM_001407126.1); c.869G>A, p.Arg290His (NM_001407127.1); c.788G>A, p.Arg263His (NM_001407128.1); c.764G>A, p.Arg255His (NM_001407129.1); c.761G>A, p.Arg254His (NM_001407130.1); c.656G>A, p.Arg219His (NM_001407132.1, NM_001407133.1, NM_001407134.1 and 2 more transcripts); c.476G>A, p.Arg159His (NM_001407137.1); and 1 more; short protein forms R254H, R279H, R134H, R159H, R263H, R315H, R219H, R255H.
Identifiers: ClinVar variation 919937 (VCV000919937.16), dbSNP rs751948498, ClinGen allele CA049848.
Genomic context (GRCh38, chr3:30,671,944, plus strand): 5'-ACATCAACCACAACACAGAGCTGCTGCCCATTGAGCTGGACACCCTGGTGGGGAAAGGTC[G>A]CTTTGCTGAGGTCTATAAGGCCAAGCTGAAGCAGAACACTTCAGAGCAGTTTGAGACAGT-3'
Protein context (NP_003233.4, residues 244-264): IELDTLVGKG[Arg254His]FAEVYKAKLK